The following is an entry in ClinVar:

ClinVar aggregate classification (germline): Uncertain significance (1 of 4 stars; one submission).

Conditions:
Autosomal recessive limb-girdle muscular dystrophy type 2J (LGMDR10). Also called: Limb-girdle muscular dystrophy, type 2J; MUSCULAR DYSTROPHY, LIMB-GIRDLE, AUTOSOMAL RECESSIVE 10. Identifiers: Orphanet 140922, MedGen C1837342, MONDO:0012127, OMIM 608807.
Dilated cardiomyopathy 1G (CMD1G). Identifiers: Orphanet 154, MedGen C1858763, MONDO:0011400, OMIM 604145.

Allele frequency attached by ClinVar (database versions not stated): gnomAD 0.00001.
gnomAD v4.1: 1 of 1,539,934 alleles (0.000065%); highest among the groups gnomAD compares: Non-Finnish European, 0.000087%; no homozygotes.

Submission:

Labcorp Genetics (formerly Invitae), Labcorp
Classification: Uncertain significance for Dilated cardiomyopathy 1G; Autosomal recessive limb-girdle muscular dystrophy type 2J. Last evaluated: 2017-08-29. Review status: criteria provided, single submitter. Criteria: Invitae Variant Classification Sherloc (09022015). Collection method: clinical testing. Allele origin: germline.
Comment: This sequence change replaces threonine with serine at codon 33582 of the TTN protein (p.Thr33582Ser). There is a small physicochemical difference between threonine and serine. This variant is not present in population databases (ExAC no frequency). This variant has not been reported in the literature in individuals with TTN-related disease. Algorithms developed to predict the effect of sequence changes on RNA splicing suggest that this variant may create or strengthen a splice site, but this prediction has not been confirmed by published transcriptional studies. In summary, the available evidence is currently insufficient to determine the role of this variant in disease. Therefore, it has been classified as a Variant of Uncertain Significance.

NM_001267550.2(TTN):c.100745C>G (p.Thr33582Ser)

Genes: TTN-AS1 (TTN antisense RNA 1; plus strand), TTN (titin; minus strand). Cytogenetic location: 2q31.2.
Variant type: single nucleotide variant.
Coding change: c.100745C>G on transcript NM_001267550.2 (MANE Select); coding-DNA position 100745, C replaced by G.
Protein change: p.Thr33582Ser; replaces threonine 33582 with serine.
Molecular consequence: missense variant.
Genome position (GRCh38, 1-based): chr2:178,536,002, G>C on the plus strand (C>G on the coding strand, the complement: TTN is on the minus strand). VCF-style: chr2-178536002-G-C. GRCh37 (hg19) VCF-style: chr2-179400729-G-C.
Other names: c.95822C>G, p.Thr31941Ser (NM_001256850.1); c.73550C>G, p.Thr24517Ser (NM_003319.4); c.93041C>G, p.Thr31014Ser (NM_133378.4); c.73925C>G, p.Thr24642Ser (NM_133432.3); c.74126C>G, p.Thr24709Ser (NM_133437.4); short protein forms T33582S, T24517S, T24642S, T31014S, T31941S, T24709S.
Identifiers: ClinVar variation 535027 (VCV000535027.7), dbSNP rs1289282264, ClinGen allele CA349424758.
Genomic context (GRCh38, chr2:178,536,002, plus strand): 5'-TCATTTAGCCTCAACTTGATGATAATTTATTTATTTTTACCTTCCACTTCCAAGGAGGCA[G>C]TGCCAGACACAGATCCCCCTTGGTTGGTAGCTCTGACTTGGTAAACTGTGGCATCATCAT-3'
Protein context (NP_001254479.2, residues 33572-33592): ATNQGGSVSG[Thr33582Ser]ASLEVEVPAK